The following is an entry in ClinVar:

NM_001349253.2(SCN11A):c.5279A>G (p.Asn1760Ser)

Gene: SCN11A (sodium voltage-gated channel alpha subunit 11; minus strand). Cytogenetic location: 3p22.2.
Variant type: single nucleotide variant.
Coding change: c.5279A>G on transcript NM_001349253.2 (MANE Select); coding-DNA position 5279, A replaced by G.
Protein change: p.Asn1760Ser; replaces asparagine 1760 with serine.
Molecular consequence: missense variant.
Genome position (GRCh38, 1-based): chr3:38,846,791, T>C on the plus strand (A>G on the coding strand, the complement: SCN11A is on the minus strand). VCF-style: chr3-38846791-T-C. GRCh37 (hg19) VCF-style: chr3-38888282-T-C.
Other names: c.5279A>G, p.Asn1760Ser (NM_014139.3); short protein forms N1760S.
Identifiers: ClinVar variation 2080654 (VCV002080654.4), dbSNP rs1302660746, ClinGen allele CA352159341.

ClinVar aggregate classification (germline): Uncertain significance (1 of 4 stars; one submission).

Conditions:
Hereditary sensory and autonomic neuropathy type 7. Also called: Neuropathy, hereditary sensory and autonomic, type VII; HSAN VII. Identifiers: Orphanet 391397, MedGen C3809882, MONDO:0014244, OMIM 615548.
Familial episodic pain syndrome with predominantly lower limb involvement. Also called: Episodic pain syndrome, familial, 3. Identifiers: Orphanet 391384, Orphanet 391392, MedGen C3809899, MONDO:0014247, OMIM 615552.

Allele frequency attached by ClinVar (database versions not stated): TOPMed below 0.00001; gnomAD exomes 0.00002.
gnomAD v4.1: 25 of 1,614,070 alleles (0.0015%); highest among the groups gnomAD compares: Non-Finnish European, 0.0021%; no homozygotes.

Submission:

Labcorp Genetics (formerly Invitae), Labcorp
Classification: Uncertain significance for Familial episodic pain syndrome with predominantly lower limb involvement; Hereditary sensory and autonomic neuropathy type 7. Last evaluated: 2024-09-04. Review status: criteria provided, single submitter. Criteria: Invitae Variant Classification Sherloc (09022015). Collection method: clinical testing. Allele origin: germline.
Comment: This sequence change replaces asparagine, which is neutral and polar, with serine, which is neutral and polar, at codon 1760 of the SCN11A protein (p.Asn1760Ser). This variant is present in population databases (no rsID available, gnomAD 0.002%). This variant has not been reported in the literature in individuals affected with SCN11A-related conditions. ClinVar contains an entry for this variant (Variation ID: 2080654). Invitae Evidence Modeling of protein sequence and biophysical properties (such as structural, functional, and spatial information, amino acid conservation, physicochemical variation, residue mobility, and thermodynamic stability) indicates that this missense variant is not expected to disrupt SCN11A protein function with a negative predictive value of 80%. In summary, the available evidence is currently insufficient to determine the role of this variant in disease. Therefore, it has been classified as a Variant of Uncertain Significance.